The following is an entry in ClinVar:

NM_004415.4(DSP):c.3507C>A (p.Tyr1169Ter)

Gene: DSP (desmoplakin; plus strand). Cytogenetic location: 6p24.3.
Variant type: single nucleotide variant.
Coding change: c.3507C>A on transcript NM_004415.4 (MANE Select); coding-DNA position 3507, C replaced by A.
Protein change: p.Tyr1169Ter; replaces tyrosine 1169 with a stop codon.
Molecular consequence: nonsense.
Genome position (GRCh38, 1-based): chr6:7,579,697, C>A. VCF-style: chr6-7579697-C-A. GRCh37 (hg19) VCF-style: chr6-7579930-C-A.
Other names: c.3507C>A, p.Tyr1169Ter (NM_001008844.3, NM_001319034.2); short protein forms Y1169*.
Identifiers: ClinVar variation 228254 (VCV000228254.7), dbSNP rs148894066, ClinGen allele CA10576698.

ClinVar aggregate classification (germline): Likely pathogenic. Review status: criteria provided, multiple submitters, no conflicts (2 of 4 stars). 2 submissions from 2 submitters: Likely pathogenic (2). Last evaluated 2015-02-19.

Conditions:
Primary dilated cardiomyopathy (DCM). Also called: Dilated Cardiomyopathy. Identifiers: Orphanet 217604, MedGen C0007193, MeSH D002311, MONDO:0005021, HP:0001644. Inheritance: Various modes of inheritance.
Arrhythmogenic right ventricular dysplasia 8 (ARVD8). Also called: Arrhythmogenic Right Ventricular Dysplasia/Cardiomyopathy 8; ARRHYTHMOGENIC RIGHT VENTRICULAR DYSPLASIA, FAMILIAL, 8; ARRHYTHMOGENIC RIGHT VENTRICULAR CARDIOMYOPATHY 8. Identifiers: MedGen C1843896, MONDO:0011831, OMIM 607450.
Keratosis palmoplantaris striata 2. Also called: Keratosis palmoplantaris striata II; KERATODERMA, PALMOPLANTAR, STRIATE FORM II; STRIATE PALMOPLANTAR KERATODERMA II. Identifiers: MedGen C1852127, MONDO:0013034, OMIM 612908.
Lethal acantholytic epidermolysis bullosa (EBLA). Identifiers: Orphanet 158687, MedGen C1864826, MONDO:0012323, OMIM 609638.
Cardiomyopathy, dilated, with wooly hair, keratoderma, and tooth agenesis. Also called: Cardiomyopathy, dilated, with woolly hair, keratoderma, and tooth agenesis; Erythrokeratodermia-cardiomyopathy syndrome. Identifiers: Orphanet 476096, Orphanet 65282, MedGen C4014393, MONDO:0014355, OMIM 615821.
Arrhythmogenic cardiomyopathy with wooly hair and keratoderma. Also called: Dilated cardiomyopathy with woolly hair and keratoderma; Carvajal syndrome; PALMOPLANTAR KERATODERMA WITH LEFT VENTRICULAR CARDIOMYOPATHY AND WOOLLY HAIR; Arrhythmogenic cardiomyopathy with woolly hair and keratoderma. Identifiers: Orphanet 65282, MedGen C1854063, MONDO:0011581, OMIM 605676.

gnomAD v4.1: 1 of 1,613,320 alleles (0.000062%); highest among the groups gnomAD compares: Non-Finnish European, 0.000085%; no homozygotes.

Submissions (2):

Laboratory for Molecular Medicine, Mass General Brigham Personalized Medicine
Classification: Likely pathogenic for Primary dilated cardiomyopathy. Last evaluated: 2015-02-19. Review status: criteria provided, single submitter. Criteria: LMM Criteria. Collection method: clinical testing. Allele origin: germline. Inheritance: Autosomal dominant inheritance. Observed: 1 variant allele.
Comment: The p.Tyr1169X variant in DSP has not been previously reported in individuals wi th cardiomyopathy or in large population studies. This nonsense variant leads to a premature termination codon at position 1169, which is predicted to lead to a truncated or absent protein. Frameshift and nonsense variants in DSP have been well reported in patients with ARVC, but recent evid ence supports that they can also cause DCM (Pugh 2014). In summary, although add itional studies are required to fully establish its clinical significance, the p .Tyr1169X variant is likely pathogenic.

Juno Genomics, Hangzhou Juno Genomics, Inc
Classification: Likely pathogenic for Arrhythmogenic right ventricular dysplasia 8; Arrhythmogenic cardiomyopathy with wooly hair and keratoderma; Cardiomyopathy, dilated, with wooly hair, keratoderma, and tooth agenesis; Lethal acantholytic epidermolysis bullosa; Keratosis palmoplantaris striata 2. Review status: criteria provided, single submitter. Criteria: ACMG Guidelines, 2015. Collection method: clinical testing. Allele origin: germline.
Comment: Absent from controls (or at extremely low frequency if recessive) in Genome Aggregation Database.;Null variant in a gene where loss of function (LOF) is a known mechanism of disease.